The following is an entry in ClinVar:

ClinVar aggregate classification (germline): Uncertain significance (1 of 4 stars; one submission).

Submission:

Labcorp Genetics (formerly Invitae), Labcorp
Classification: Uncertain significance. Last evaluated: 2023-11-28. Review status: criteria provided, single submitter. Criteria: Invitae Variant Classification Sherloc (09022015). Collection method: clinical testing. Allele origin: germline.
Comment: This sequence change replaces leucine, which is neutral and non-polar, with isoleucine, which is neutral and non-polar, at codon 197 of the BEST1 protein (p.Leu197Ile). This variant is not present in population databases (gnomAD no frequency). This variant has not been reported in the literature in individuals affected with BEST1-related conditions. ClinVar contains an entry for this variant (Variation ID: 1470035). Algorithms developed to predict the effect of missense changes on protein structure and function output the following: SIFT: "Not Available"; PolyPhen-2: "Benign"; Align-GVGD: "Not Available". The isoleucine amino acid residue is found in multiple mammalian species, which suggests that this missense change does not adversely affect protein function. In summary, the available evidence is currently insufficient to determine the role of this variant in disease. Therefore, it has been classified as a Variant of Uncertain Significance.

NM_004183.4(BEST1):c.589C>A (p.Leu197Ile)

Gene: BEST1 (bestrophin 1; plus strand). Cytogenetic location: 11q12.3.
Variant type: single nucleotide variant.
Coding change: c.589C>A on transcript NM_004183.4 (MANE Select); coding-DNA position 589, C replaced by A.
Protein change: p.Leu197Ile; replaces leucine 197 with isoleucine.
Molecular consequence: missense variant. On other transcripts: non-coding transcript variant (1).
Genome position (GRCh38, 1-based): chr11:61,956,951, C>A. VCF-style: chr11-61956951-C-A. GRCh37 (hg19) VCF-style: chr11-61724423-C-A.
Other names: c.409C>A, p.Leu137Ile (NM_001139443.3, NM_001300786.2, NM_001300787.2); c.271C>A, p.Leu91Ile (NM_001363591.3); c.589C>A, p.Leu197Ile (NM_001363592.2); c.-587C>A (NM_001363593.3); short protein forms L197I, L137I, L91I.
Identifiers: ClinVar variation 1470035 (VCV001470035.8), dbSNP rs2134437464, ClinGen allele CA380837633.